The following is an entry in ClinVar:

ClinVar aggregate classification (germline): Uncertain significance (1 of 4 stars; one submission).

Conditions:
Malignant hyperthermia, susceptibility to, 1 (MHS1). Also called: Anesthesia related hyperthermia; Malignant hyperpyrexia; Fulminating hyperpyrexia; Pharmacogenic myopathy; Malignant hyperthermia suceptibility 1; RYR1-Related Malignant Hyperthermia Susceptibility. Identifiers: Orphanet 423, MedGen C2930980, MONDO:0007783, OMIM 145600.

Submission:

All of Us Research Program, National Institutes of Health
Classification: Uncertain significance for Malignant hyperthermia, susceptibility to, 1. Last evaluated: 2024-03-05. Review status: criteria provided, single submitter. Criteria: ACMG Guidelines, 2015. Collection method: clinical testing. Allele origin: germline. Inheritance: Autosomal dominant inheritance. Observed: 1 variant allele, 1 heterozygote.
Comment: This study involves interpretation of variants in research participants for the purpose of population health screening. Participant phenotype was not available at the time of variant classification. Additional details can be found in publication PMID: 35346344, PMCID: PMC8962531

NM_000540.3(RYR1):c.13733T>A (p.Leu4578Ter)

Gene: RYR1 (ryanodine receptor 1; plus strand). Cytogenetic location: 19q13.2.
Variant type: single nucleotide variant.
Coding change: c.13733T>A on transcript NM_000540.3 (MANE Select); coding-DNA position 13733, T replaced by A.
Protein change: p.Leu4578Ter; replaces leucine 4578 with a stop codon.
Molecular consequence: nonsense.
Genome position (GRCh38, 1-based): chr19:38,570,680, T>A. VCF-style: chr19-38570680-T-A. GRCh37 (hg19) VCF-style: chr19-39061320-T-A.
Other names: c.13718T>A, p.Leu4573Ter (NM_001042723.2); short protein forms L4573*, L4578*.
Identifiers: ClinVar variation 3385610 (VCV003385610.1).